The following is an entry in ClinVar:

ClinVar aggregate classification (germline): Pathogenic. Review status: criteria provided, multiple submitters, no conflicts (2 of 4 stars). 2 submissions from 2 submitters: Pathogenic (2). Last evaluated 2025-06-02.

Conditions:
CEP290-related ciliopathy. Also called: CEP290 ciliopathy. Identifiers: MedGen CN305601, MONDO:0100451.
Meckel-Gruber syndrome. Also called: DYSENCEPHALIA SPLANCHNOCYSTICA; GRUBER SYNDROME; Dysencephalia splachnocystica. Identifiers: Orphanet 564, MedGen C0265215, MONDO:0018921.
Nephronophthisis. Also called: Juvenile Nephronophthisis. Identifiers: Orphanet 655, MedGen C0687120, MONDO:0019005, HP:0000090.
Joubert syndrome. Also called: JOUBERT-BOLTSHAUSER SYNDROME; Familial aplasia of the vermis. Identifiers: Orphanet 475, MedGen C5979921, MONDO:0018772.

Allele frequency attached by ClinVar (database versions not stated): TOPMed below 0.00001.

Submissions (2):

Myriad Genetics, Inc.
Classification: Pathogenic for CEP290-related ciliopathy. Last evaluated: 2025-06-02. Review status: criteria provided, single submitter. Criteria: Myriad Autosomal Dominant, Autosomal Recessive and X-Linked Classification Criteria (2023). Collection method: clinical testing. Allele origin: unknown.
Comment: NM_025114.3(CEP290):c.5766_5769delAGAA(I1922Mfs*7) is expected to be pathogenic in the context of CEP290-related disorders. This variant is predicted to lead to an abnormal or absent protein product due to the creation of a premature termination codon in CEP290, a gene where loss-of-function variants are known to be pathogenic. Please note: this variant was assessed in the context of healthy population screening.

Labcorp Genetics (formerly Invitae), Labcorp
Classification: Pathogenic for Joubert syndrome; Meckel-Gruber syndrome; Nephronophthisis. Last evaluated: 2022-02-23. Review status: criteria provided, single submitter. Criteria: Invitae Variant Classification Sherloc (09022015). Collection method: clinical testing. Allele origin: germline.
Comment: For these reasons, this variant has been classified as Pathogenic. This variant has not been reported in the literature in individuals affected with CEP290-related conditions. This variant is not present in population databases (gnomAD no frequency). This sequence change creates a premature translational stop signal (p.Ile1922Metfs*7) in the CEP290 gene. It is expected to result in an absent or disrupted protein product. Loss-of-function variants in CEP290 are known to be pathogenic (PMID: 16909394, 17345604, 20690115).

Literature cited by the submitters: PubMed 16909394 (cited by Labcorp Genetics (formerly Invitae), Labcorp); PubMed 17345604 (cited by Labcorp Genetics (formerly Invitae), Labcorp); PubMed 20690115 (cited by Labcorp Genetics (formerly Invitae), Labcorp).

NM_025114.4(CEP290):c.5766_5769del (p.Ile1922fs)

Gene: CEP290 (centrosomal protein 290; minus strand). Cytogenetic location: 12q21.32.
Variant type: Deletion.
Coding change: c.5766_5769del on transcript NM_025114.4 (MANE Select); coding-DNA positions 5766 to 5769, 4 bases deleted (AGAA; older notation c.5766_5769delAGAA).
Protein change: p.Ile1922fs; shifts the reading frame from isoleucine 1922.
Molecular consequence: frameshift variant.
Genome position (GRCh38, 1-based): chr12:88,071,867-88,071,870, TTCT deleted on the plus strand (AGAA on the coding strand, the reverse complement: CEP290 is on the minus strand). VCF-style (leftmost placement, unchanged base first): chr12-88071866-CTTCT-C. GRCh37 (hg19) VCF-style: chr12-88465643-CTTCT-C.
Other names: short protein forms I1922fs.
Identifiers: ClinVar variation 2102544 (VCV002102544.5), dbSNP rs908238464, ClinGen allele CA241150717.